The following is an entry in ClinVar:

NM_002291.3(LAMB1):c.578G>A (p.Arg193Gln)

Gene: LAMB1 (laminin subunit beta 1; minus strand). Cytogenetic location: 7q31.1.
Variant type: single nucleotide variant.
Coding change: c.578G>A on transcript NM_002291.3 (MANE Select); coding-DNA position 578, G replaced by A.
Protein change: p.Arg193Gln; replaces arginine 193 with glutamine.
Molecular consequence: missense variant.
Genome position (GRCh38, 1-based): chr7:107,986,209, C>T on the plus strand (G>A on the coding strand, the complement: LAMB1 is on the minus strand). VCF-style: chr7-107986209-C-T. GRCh37 (hg19) VCF-style: chr7-107626654-C-T.
Other names: short protein forms R193Q.
Identifiers: ClinVar variation 4764978 (VCV004764978.1).
Genomic context (GRCh38, chr7:107,986,209, plus strand): 5'-AATGTAAAACACAGAAGCAAACAAACCTCTCCTTCAGTTGAGGGTTCAATGTCAGAATAT[C>T]GAGAATCACAAATTATGTCATCGACTTTTTTCATGGGGCCAGTTGAAATGCCTGGAAACG-3'
Protein context (NP_002282.2, residues 183-203): KKVDDIICDS[Arg193Gln]YSDIEPSTEG

ClinVar aggregate classification (germline): Uncertain significance (1 of 4 stars; one submission).

gnomAD v4.1: 8 of 1,614,102 alleles (0.0005%); highest among the groups gnomAD compares: East Asian, 0.0022%; no homozygotes.

Submission:

Labcorp Genetics (formerly Invitae), Labcorp
Classification: Uncertain significance. Last evaluated: 2025-12-30. Review status: criteria provided, single submitter. Criteria: Invitae Variant Classification Sherloc (09022015). Collection method: clinical testing. Allele origin: germline.
Comment: This sequence change replaces arginine, which is basic and polar, with glutamine, which is neutral and polar, at codon 193 of the LAMB1 protein (p.Arg193Gln). This variant is present in population databases (rs770553789, gnomAD 0.006%). This variant has not been reported in the literature in individuals affected with LAMB1-related conditions. An algorithm developed to predict the effect of missense changes on protein structure and function (PolyPhen-2) suggests that this variant is likely to be disruptive. In summary, the available evidence is currently insufficient to determine the role of this variant in disease. Therefore, it has been classified as a Variant of Uncertain Significance.